The following is an entry in ClinVar:

ClinVar aggregate classification (germline): Pathogenic/Likely pathogenic. Review status: criteria provided, multiple submitters, no conflicts (2 of 4 stars). 2 submissions from 2 submitters: Pathogenic (1); Likely pathogenic (1). Last evaluated 2022-01-17.

Conditions:
Epidermolysis bullosa simplex. Also called: Epidermolysis bullosa simplex, Weber-Cockayne type (subtype); Epidermolysis bullosa simplex, Dowling-Meara type (subtype); Epidermolysis bullosa simplex with mottled pigmentation (subtype). Identifiers: Orphanet 304, MedGen C0079298, MONDO:0017610.

Submissions (2):

GeneDx
Classification: Likely pathogenic. Last evaluated: 2022-01-17. Review status: criteria provided, single submitter. Criteria: GeneDx Variant Classification Process June 2021. Collection method: clinical testing. Allele origin: germline. Affected: yes.
Comment: Not observed in large population cohorts (gnomAD); In silico analysis supports that this missense variant has a deleterious effect on protein structure/function; This variant is associated with the following publications: (PMID: 26707537)

Biomedical Innovation Departament, CIEMAT
Classification: Pathogenic for Simplex epidermolysis bullosa. Last evaluated: 2009-06-23. Review status: criteria provided, single submitter. Criteria: ACMG Guidelines, 2015. Collection method: research. Allele origin: germline. Affected: yes. Observed: 1 variant allele.

Literature cited by the submitters: PubMed 26707537 (cited by Biomedical Innovation Departament, CIEMAT).

NM_000424.4(KRT5):c.587T>C (p.Leu196Pro)

Genes: KRT5 (keratin 5; minus strand), LOC126861526 (BRD4-independent group 4 enhancer GRCh37_chr12:52912066-52913265; plus strand). Cytogenetic location: 12q13.13.
Variant type: single nucleotide variant.
Coding change: c.587T>C on transcript NM_000424.4 (MANE Select); coding-DNA position 587, T replaced by C.
Protein change: p.Leu196Pro; replaces leucine 196 with proline.
Molecular consequence: missense variant.
Genome position (GRCh38, 1-based): chr12:52,519,129, A>G on the plus strand (T>C on the coding strand, the complement: KRT5 is on the minus strand). VCF-style: chr12-52519129-A-G. GRCh37 (hg19) VCF-style: chr12-52912913-A-G.
Other names: c.587T>C (NM_000424.3); short protein forms L196P.
Identifiers: ClinVar variation 1047988 (VCV001047988.3), dbSNP rs1938666838, ClinGen allele CA384927906.
Genomic context (GRCh38, chr12:52,519,129, plus strand): 5'-TCCAGGTTCTGCCTCACAGTCTTGGTGCCCTGCTCCTGCAGCAGGGTCCACTTGGTGTCC[A>G]GAACCTTGTTCTGCTGCTCCAGGAACCGCACCTGGAGGGGAGCAGGGTTTGAAGATAGAG-3'
Protein context (NP_000415.2, residues 186-206): VRFLEQQNKV[Leu196Pro]DTKWTLLQEQ